The following is an entry in ClinVar:

NM_001035.3(RYR2):c.3067-16_3067-15del

Gene: RYR2 (ryanodine receptor 2; plus strand). Cytogenetic location: 1q43.
Variant type: Deletion.
Coding change: c.3067-16_3067-15del on transcript NM_001035.3 (MANE Select); 16 bases into the intron before coding-DNA position 3067 through 15 bases into the intron before coding-DNA position 3067, 2 bases deleted (CT; older notation c.3067-16_3067-15delCT).
Molecular consequence: intron variant.
Genome position (GRCh38, 1-based): chr1:237,550,528-237,550,529, CT deleted. VCF-style (leftmost placement, unchanged base first): chr1-237550527-CCT-C. GRCh37 (hg19) VCF-style: chr1-237713827-CCT-C.
Other names: c.3067-16_3067-15del (LRG_402t1); c.3067-16_3067-15delCT (NM_001035.3).
Identifiers: ClinVar variation 178673 (VCV000178673.19), dbSNP rs727504453, ClinGen allele CA009057.

ClinVar aggregate classification (germline): Benign/Likely benign. Review status: criteria provided, multiple submitters, no conflicts (2 of 4 stars). 7 submissions from 7 submitters: Benign (1); Likely benign (5). 1 of the submissions does not count toward it. Last evaluated 2026-02-16.

Conditions:
Catecholaminergic polymorphic ventricular tachycardia (CVPT). Also called: Catecholamine-induced polymorphic ventricular tachycardia. Identifiers: Orphanet 3286, MedGen C5574922, MONDO:0017990.
Cardiomyopathy (CMYO). Also called: Cardiomyopathies. Identifiers: Orphanet 167848, MedGen C0878544, MONDO:0004994, HP:0001638. Inheritance: Various modes of inheritance.
Catecholaminergic polymorphic ventricular tachycardia 1. Also called: RYR2-Related Catecholaminergic Polymorphic Ventricular Tachycardia; VENTRICULAR TACHYCARDIA, STRESS-INDUCED POLYMORPHIC 1; VENTRICULAR TACHYCARDIA, CATECHOLAMINERGIC POLYMORPHIC, 1, WITH OR WITHOUT ATRIAL DYSFUNCTION AND/OR DILATED CARDIOMYOPATHY. Identifiers: Orphanet 3286, MedGen C1631597, MONDO:0011484, OMIM 604772.

Allele frequency attached by ClinVar (database versions not stated): gnomAD exomes 0.00002 and 0.00003; ExAC 0.00007; TOPMed 0.00027; gnomAD 0.00028 and 0.00031; ESP Exome Variant Server 0.00035.

Submissions (7):

Women's Health and Genetics/Laboratory Corporation of America, LabCorp
Classification: Benign. Last evaluated: 2026-02-16. Review status: criteria provided, single submitter. Criteria: LabCorp Variant Classification Summary - May 2015. Collection method: clinical testing. Allele origin: germline.
Comment: Variant summary: RYR2 c.3067-16_3067-15delCT alters a nucleotide located at a position not widely known to affect splicing. Consensus agreement among computation tools predict no significant impact on normal splicing. However, these predictions have yet to be confirmed by functional studies. The variant allele was found at a frequency of 4.7e-05 in 1606088 control chromosomes, predominantly at a frequency of 0.00096 within the African or African-American subpopulation in the gnomAD database. The observed variant frequency within African or African-American control individuals in the gnomAD database exceeds the estimated maximal expected allele frequency for disease-causing variants in RYR2. To our knowledge, no occurrence of c.3067-16_3067-15delCT in individuals affected with RYR2-related conditions and no experimental evidence demonstrating its impact on protein function have been reported. ClinVar contains an entry for this variant (Variation ID: 178673). Based on the evidence outlined above, the variant was classified as benign.

Labcorp Genetics (formerly Invitae), Labcorp
Classification: Likely benign for Catecholaminergic polymorphic ventricular tachycardia 1. Last evaluated: 2026-01-25. Review status: criteria provided, single submitter. Criteria: Invitae Variant Classification Sherloc (09022015). Collection method: clinical testing. Allele origin: germline.

ARUP Laboratories, Molecular Genetics and Genomics, ARUP Laboratories
Classification: Likely benign. Last evaluated: 2025-05-15. Review status: criteria provided, single submitter. Criteria: ARUP Molecular Germline Variant Investigation Process 2024. Collection method: clinical testing. Allele origin: germline.

All of Us Research Program, National Institutes of Health
Classification: Likely benign for Catecholaminergic polymorphic ventricular tachycardia. Last evaluated: 2023-12-13. Review status: criteria provided, single submitter. Criteria: ACMG Guidelines, 2015. Collection method: clinical testing. Allele origin: germline. Inheritance: Autosomal dominant inheritance. Observed: 17 variant alleles, 17 heterozygotes.
Comment: This study involves interpretation of variants in research participants for the purpose of population health screening. Participant phenotype was not available at the time of variant classification. Additional details can be found in publication PMID: 35346344, PMCID: PMC8962531

Color Diagnostics, LLC DBA Color Health
Classification: Likely benign for Cardiomyopathy. Last evaluated: 2019-01-08. Review status: criteria provided, single submitter. Criteria: ACMG Guidelines, 2015. Collection method: clinical testing. Allele origin: germline.

GeneDx
Classification: Likely benign. Last evaluated: 2017-10-23. Review status: criteria provided, single submitter. Criteria: GeneDx Variant Classification (06012015). Collection method: clinical testing. Allele origin: germline. Affected: yes.
Comment: This variant is considered likely benign or benign based on one or more of the following criteria: it is a conservative change, it occurs at a poorly conserved position in the protein, it is predicted to be benign by multiple in silico algorithms, and/or has population frequency not consistent with disease.

Laboratory for Molecular Medicine, Mass General Brigham Personalized Medicine
No classification provided. Last evaluated: 2012-12-04. Review status: no classification provided. Collection method: clinical testing. Allele origin: germline. Observed: 1 variant allele. Not counted in ClinVar's aggregate classification.
Comment: The 3067-16_3067-15delCT variant in RYR2 has not been reported in the literature nor previously identified by our laboratory. This variant has been identified in 0.1% (4/3682) of African American chromosomes from a broad population by the NHLBI Exome Sequencing Project. This variant is located in the 3' splice region. Computational tools do not suggest an impact to splicing, though this information is not predictive enough to rule out pathogenicity. Additional information is needed to fully assess its clinical significance.